The following is an entry in ClinVar:

ClinVar aggregate classification (germline): Uncertain significance (1 of 4 stars; one submission).

Allele frequency attached by ClinVar (database versions not stated): TOPMed 0.00001; gnomAD 0.00003.
gnomAD v4.1: 73 of 1,612,110 alleles (0.0045%); highest among the groups gnomAD compares: Non-Finnish European, 0.0041%; no homozygotes.

Submission:

GeneDx
Classification: Uncertain significance. Last evaluated: 2022-11-18. Review status: criteria provided, single submitter. Criteria: GeneDx Variant Classification Process June 2021. Collection method: clinical testing. Allele origin: germline. Affected: yes.
Comment: In silico analysis supports that this missense variant does not alter protein structure/function; Has not been previously published as pathogenic or benign to our knowledge

NM_182925.5(FLT4):c.238G>C (p.Val80Leu)

Gene: FLT4 (fms related receptor tyrosine kinase 4; minus strand). Cytogenetic location: 5q35.3.
Variant type: single nucleotide variant.
Coding change: c.238G>C on transcript NM_182925.5 (MANE Select); coding-DNA position 238, G replaced by C.
Protein change: p.Val80Leu; replaces valine 80 with leucine.
Molecular consequence: missense variant.
Genome position (GRCh38, 1-based): chr5:180,630,717, C>G on the plus strand (G>C on the coding strand, the complement: FLT4 is on the minus strand). VCF-style: chr5-180630717-C-G. GRCh37 (hg19) VCF-style: chr5-180057717-C-G.
Other names: c.238G>C, p.Val80Leu (NM_001354989.2, NM_002020.5); short protein forms V80L.
Identifiers: ClinVar variation 2502491 (VCV002502491.1), dbSNP rs200071734, ClinGen allele CA3607175.